The following is an entry in ClinVar:

NM_181552.4(CUX1):c.1313C>T (p.Pro438Leu)

Gene: CUX1 (cut like homeobox 1; plus strand). Cytogenetic location: 7q22.1.
Variant type: single nucleotide variant.
Coding change: c.1313C>T on transcript NM_181552.4 (MANE Select); coding-DNA position 1313, C replaced by T.
Protein change: p.Pro438Leu; replaces proline 438 with leucine.
Molecular consequence: missense variant. On other transcripts: intron variant (5).
Genome position (GRCh38, 1-based): chr7:102,196,724, C>T. VCF-style: chr7-102196724-C-T. GRCh37 (hg19) VCF-style: chr7-101840004-C-T.
Other names: c.1346C>T, p.Pro449Leu (NM_001202543.2); c.1255+1121C>T (NM_001913.5); c.1249+1121C>T (NM_181500.4); c.1117+1121C>T (NM_001202545.3); c.1207+1121C>T (NM_001202544.3); c.1138+1121C>T (NM_001202546.3); short protein forms P438L, P449L.
Identifiers: ClinVar variation 4978124 (VCV004978124.1).

ClinVar aggregate classification (germline): Uncertain significance (1 of 4 stars; one submission).

Conditions:
CUX1-related disorder. Also called: CUX1-related condition.

gnomAD v4.1: 2 of 1,612,412 alleles (0.00012%); highest among the groups gnomAD compares: Non-Finnish European, 0.00017%; no homozygotes.

Submission:

PreventionGenetics, part of Exact Sciences
Classification: Uncertain significance for CUX1-related condition. Last evaluated: 2025-01-10. Review status: criteria provided, single submitter. Criteria: ACMG Guidelines, 2015. Collection method: clinical testing. Allele origin: germline.
Comment: The CUX1 c.1346C>T variant is predicted to result in the amino acid substitution p.Pro449Leu. To our knowledge, this variant has not been reported in the literature or in a large population database (gnomAD), indicating this variant is rare. At this time, the clinical significance of this variant is uncertain due to the absence of conclusive functional and genetic evidence.